The following is an entry in ClinVar:

ClinVar aggregate classification (germline): Uncertain significance. Review status: criteria provided, multiple submitters, no conflicts (2 of 4 stars). 4 submissions from 4 submitters: Uncertain significance (4). Last evaluated 2025-11-10.

Conditions:
Inborn genetic diseases. Identifiers: MedGen C0950123, MeSH D030342.

Allele frequency attached by ClinVar (database versions not stated): gnomAD 0.00025; TOPMed 0.00031.
gnomAD v4.1: 295 of 1,613,906 alleles (0.018%); highest among the groups gnomAD compares: Non-Finnish European, 0.024%; no homozygotes.

Submissions (4):

GeneDx
Classification: Uncertain significance. Last evaluated: 2025-11-10. Review status: criteria provided, single submitter. Criteria: GeneDx Variant Classification Process June 2021. Collection method: clinical testing. Allele origin: germline. Affected: yes.
Comment: In silico analysis suggests that this missense variant does not alter protein structure/function; Has not been previously published as pathogenic or benign to our knowledge

Labcorp Genetics (formerly Invitae), Labcorp
Classification: Uncertain significance. Last evaluated: 2022-07-30. Review status: criteria provided, single submitter. Criteria: Invitae Variant Classification Sherloc (09022015). Collection method: clinical testing. Allele origin: germline.
Comment: This sequence change replaces threonine, which is neutral and polar, with methionine, which is neutral and non-polar, at codon 2027 of the RTTN protein (p.Thr2027Met). This variant is present in population databases (rs199546509, gnomAD 0.02%). This variant has not been reported in the literature in individuals affected with RTTN-related conditions. ClinVar contains an entry for this variant (Variation ID: 808404). Algorithms developed to predict the effect of missense changes on protein structure and function are either unavailable or do not agree on the potential impact of this missense change (SIFT: "Deleterious"; PolyPhen-2: "Possibly Damaging"; Align-GVGD: "Class C0"). In summary, the available evidence is currently insufficient to determine the role of this variant in disease. Therefore, it has been classified as a Variant of Uncertain Significance.

Ambry Genetics
Classification: Uncertain significance for Inborn genetic diseases. Last evaluated: 2021-08-02. Review status: criteria provided, single submitter. Criteria: Ambry Variant Classification Scheme 2023. Collection method: clinical testing. Allele origin: germline.

CeGaT Center for Human Genetics Tuebingen
Classification: Uncertain significance. Last evaluated: 2018-07-01. Review status: criteria provided, single submitter. Criteria: CeGaT Center For Human Genetics Tuebingen Variant Classification Criteria Version 2. Collection method: clinical testing. Allele origin: germline. Affected: yes. Observed: 1 variant allele.

NM_173630.4(RTTN):c.6080C>T (p.Thr2027Met)

Gene: RTTN (rotatin; minus strand). Cytogenetic location: 18q22.2.
Variant type: single nucleotide variant.
Coding change: c.6080C>T on transcript NM_173630.4 (MANE Select); coding-DNA position 6080, C replaced by T.
Protein change: p.Thr2027Met; replaces threonine 2027 with methionine.
Molecular consequence: missense variant.
Genome position (GRCh38, 1-based): chr18:70,020,688, G>A on the plus strand (C>T on the coding strand, the complement: RTTN is on the minus strand). VCF-style: chr18-70020688-G-A. GRCh37 (hg19) VCF-style: chr18-67687924-G-A.
Other names: c.3344C>T, p.Thr1115Met (NM_001318520.2); short protein forms T1115M, T2027M.
Identifiers: ClinVar variation 808404 (VCV000808404.49), dbSNP rs199546509, ClinGen allele CA8994766.